The following is an entry in ClinVar:

ClinVar aggregate classification (germline): Likely pathogenic (1 of 4 stars; one submission).

Submission:

GeneDx
Classification: Likely pathogenic. Last evaluated: 2025-10-29. Review status: criteria provided, single submitter. Criteria: GeneDx Variant Classification Process June 2021. Collection method: clinical testing. Allele origin: germline.
Comment: Reported with a second variant in the DNAH9 gene in a patient with primary ciliary dyskinesia (PMID: 39536325); Not observed at significant frequency in large population cohorts (gnomAD); In silico analysis supports that this missense variant has a deleterious effect on protein structure/function; This variant is associated with the following publications: (PMID: 39536325)

NM_001372.4(DNAH9):c.6134G>T (p.Arg2045Leu)

Gene: DNAH9 (dynein axonemal heavy chain 9; plus strand). Cytogenetic location: 17p12.
Variant type: single nucleotide variant.
Coding change: c.6134G>T on transcript NM_001372.4 (MANE Select); coding-DNA position 6134, G replaced by T.
Protein change: p.Arg2045Leu; replaces arginine 2045 with leucine.
Molecular consequence: missense variant.
Genome position (GRCh38, 1-based): chr17:11,744,819, G>T. VCF-style: chr17-11744819-G-T. GRCh37 (hg19) VCF-style: chr17-11648136-G-T.
Other names: short protein forms R2045L.
Identifiers: ClinVar variation 2573819 (VCV002573819.2), dbSNP rs772347345, ClinGen allele CA398191986.